The following is an entry in ClinVar:

NM_000329.3(RPE65):c.394G>A (p.Ala132Thr)

Gene: RPE65 (retinoid isomerohydrolase RPE65; minus strand). Cytogenetic location: 1p31.3.
Variant type: single nucleotide variant.
Coding change: c.394G>A on transcript NM_000329.3 (MANE Select); coding-DNA position 394, G replaced by A.
Protein change: p.Ala132Thr; replaces alanine 132 with threonine.
Molecular consequence: missense variant.
Genome position (GRCh38, 1-based): chr1:68,444,632, C>T on the plus strand (G>A on the coding strand, the complement: RPE65 is on the minus strand). VCF-style: chr1-68444632-C-T. GRCh37 (hg19) VCF-style: chr1-68910315-C-T.
Other names: NM_000329.3(RPE65):c.394G>A; short protein forms A132T.
Identifiers: ClinVar variation 13119 (VCV000013119.52), dbSNP rs61752878, ClinGen allele CA226547.

ClinVar aggregate classification (germline): Benign. Review status: reviewed by expert panel (3 of 4 stars). 14 submissions from 14 submitters: Benign (1). 13 of the submissions do not count toward it. Last evaluated 2023-12-22.

Conditions:
RPE65-related recessive retinopathy. Also called: Recessive RPE65 retinopathy. Identifiers: MedGen CN305526, MONDO:0100368.
RPE65-related disorder. Also called: RPE65-related condition; RPE65-related disorders. Identifiers: MedGen CN239301.
Retinal dystrophy. Also called: Inherited retinal dystrophy. Identifiers: Orphanet 71862, MedGen C0854723, MeSH D058499, MONDO:0019118, HP:0000556.
Retinitis pigmentosa 20 (RP20). Identifiers: Orphanet 791, MedGen C3151086, MONDO:0013425, OMIM 613794.
Leber congenital amaurosis 2 (LCA2). Also called: AMAUROSIS CONGENITA OF LEBER II; Autosomal Recessive RPE65-Related Retinal Degeneration. Identifiers: Orphanet 65, MedGen C1859844, MONDO:0008765, OMIM 204100. Disease mechanism: loss of function.
Leber congenital amaurosis (LCA). Also called: Leber's amaurosis. Identifiers: Orphanet 65, MedGen C0339527, MeSH D057130, MONDO:0018998.

Allele frequency attached by ClinVar (database versions not stated): gnomAD exomes 0.00294 and 0.00162; ExAC 0.00287; 1000 Genomes Project 30x 0.00297; gnomAD 0.00103 and 0.00147; 1000 Genomes Project 0.00339; TOPMed 0.00112.
gnomAD v4.1: 2,677 of 1,614,094 alleles (0.17%); highest among the groups gnomAD compares: South Asian, 1.2%; 26 homozygotes.

Submissions (14):

ClinGen Leber Congenital Amaurosis/early Onset Retinal Dystrophy Variant Curation Expert Panel, ClinGen
Classification: Benign for RPE65-related recessive retinopathy. Last evaluated: 2023-12-22. Review status: reviewed by expert panel. Criteria: ClinGen LCAeoRD ACMG Specifications RPE65 V1.0.0. Collection method: curation. Allele origin: germline. Inheritance: Autosomal recessive inheritance.
Comment: NM_000329.3(RPE65):c.394G>A is a missense variant that replaces alanine with threonine at codon 132. This variant is present in gnomAD v.2.1.1 at a GrpMax allele frequency of 0.01113, with 372 alleles / 30614 total alleles in the South Asian population (with 6 homozygotes), which is higher than the ClinGen LCA / eoRD VCEP BA1 threshold of >0.008 (BA1). The computational predictor REVEL gives a score of 0.548, which is above the ClinGen LCA / eoRD VCEP threshold of <0.3 and does not strongly predict a non-damaging effect on RPE65 function. The splicing impact predictor SpliceAI gives a score of 0.03 for splice acceptor loss, which is below the ClinGen LCA / eoRD VCEP recommended threshold of greater than or equal to 0.2 and does not strongly predict an impact on splicing. The variant exhibited 50% enzymatic activity in an isomerohydrolase assay relative to the wild-type control, which is higher than the ClinGen LCA / eoRD BS3_Supporting threshold of >50% activity, indicating that it largely preserves] normal protein function (PMID: 16150724, BS3_Supporting). In summary, this variant meets the criteria to be classified as benign for RPE65-related recessive retinopathy based on the ACMG/AMP criteria applied, as specified by the ClinGen LCA/eoRD VCEP: BA1, BS3_Supporting. (VCEP specifications version 1.0.0; date of approval 09/21/2023).

CeGaT Center for Human Genetics Tuebingen
Classification: Benign. Last evaluated: 2026-08-01. Review status: criteria provided, single submitter. Criteria: CeGaT Center For Human Genetics Tuebingen Variant Classification Criteria Version 2. Collection method: clinical testing. Allele origin: germline. Affected: yes. Observed: 49 variant alleles. Not counted in ClinVar's aggregate classification.
Comment: RPE65: BS1, BS2

Labcorp Genetics (formerly Invitae), Labcorp
Classification: Benign for Leber congenital amaurosis 2; Retinitis pigmentosa 20. Last evaluated: 2026-02-01. Review status: criteria provided, single submitter. Criteria: Invitae Variant Classification Sherloc (09022015). Collection method: clinical testing. Allele origin: germline. Not counted in ClinVar's aggregate classification.

Mendelics
Classification: Benign for Leber congenital amaurosis 2. Last evaluated: 2023-08-22. Review status: criteria provided, single submitter. Criteria: Mendelics Assertion Criteria 2019. Collection method: clinical testing. Allele origin: germline. Not counted in ClinVar's aggregate classification.

Women's Health and Genetics/Laboratory Corporation of America, LabCorp
Classification: Likely benign. Last evaluated: 2022-05-03. Review status: criteria provided, single submitter. Criteria: LabCorp Variant Classification Summary - May 2015. Collection method: clinical testing. Allele origin: germline. Not counted in ClinVar's aggregate classification.

Institute of Human Genetics, Univ. Regensburg, Univ. Regensburg
Classification: Likely benign for Retinal dystrophy. Last evaluated: 2022-01-01. Review status: criteria provided, single submitter. Criteria: ACMG Guidelines, 2015. Collection method: clinical testing. Allele origin: germline. Affected: yes. Not counted in ClinVar's aggregate classification.

Genome-Nilou Lab
Classification: Likely benign for Leber congenital amaurosis 2. Last evaluated: 2021-06-10. Review status: criteria provided, single submitter. Criteria: ACMG Guidelines, 2015. Collection method: clinical testing. Allele origin: germline. Affected: no. Not counted in ClinVar's aggregate classification.

GeneDx
Classification: Likely benign. Last evaluated: 2018-02-05. Review status: criteria provided, single submitter. Criteria: GeneDx Variant Classification Process June 2021. Collection method: clinical testing. Allele origin: germline. Affected: yes. Not counted in ClinVar's aggregate classification.
Comment: This variant is associated with the following publications: (PMID: 18722466, 21931134, 11095629, 16150724, 24066033, 9501220, 27535533, 26355662, 26626312)

Broad Center for Mendelian Genomics, Broad Institute of MIT and Harvard
Classification: Likely benign for Leber congenital amaurosis 2. Review status: criteria provided, single submitter. Criteria: ACMG Guidelines, 2015. Collection method: research. Allele origin: germline. Inheritance: Autosomal recessive inheritance. Affected: yes. Not counted in ClinVar's aggregate classification.
Comment: In vitro functional studies provide some evidence that the p.Ala132Thr variant may slightly impact protein function (PMID: 16150724). However, these types of assays may not accurately represent biological function and this variant has been identified in >1% of South Asian chromosomes and 4 homozygotes by ExAC. In summary, although additional studies are required to fully establish its clinical significance, this variant meets criteria to be classified as likely benign for autosomal recessive retinitis pigmentosa.

PreventionGenetics, part of Exact Sciences
Classification: Benign for RPE65-related condition. Last evaluated: 2024-09-10. Review status: no assertion criteria provided. Collection method: clinical testing. Allele origin: germline. Not counted in ClinVar's aggregate classification.
Comment: This variant is classified as benign based on ACMG/AMP sequence variant interpretation guidelines (Richards et al. 2015 PMID: 25741868, with internal and published modifications).

Natera, Inc.
Classification: Uncertain significance for Leber congenital amaurosis. Last evaluated: 2020-04-03. Review status: no assertion criteria provided. Collection method: clinical testing. Allele origin: germline. Not counted in ClinVar's aggregate classification.

Counsyl
Classification: Likely benign for Leber congenital amaurosis 2; Retinitis pigmentosa 20. Last evaluated: 2017-03-06. Review status: no assertion criteria provided. Collection method: clinical testing. Allele origin: unknown. Not counted in ClinVar's aggregate classification.

OMIM
Classification: Uncertain significance for RECLASSIFIED - VARIANT OF UNKNOWN SIGNIFICANCE. Last evaluated: 1998-03-17. Review status: no assertion criteria provided. Collection method: literature only. Allele origin: germline. Not counted in ClinVar's aggregate classification.

Retina International
No classification provided. Review status: no classification provided. Collection method: not provided. Allele origin: unknown. Not counted in ClinVar's aggregate classification.

Literature cited by the submitters: PubMed 16150724 (cited by 4 submitters); PubMed 9501220 (cited by 3 submitters); PubMed 24265693 (cited by Institute of Human Genetics, Univ. Regensburg, Univ. Regensburg and Broad Center for Mendelian Genomics, Broad Institute of MIT and Harvard); PubMed 24066033 (cited by Institute of Human Genetics, Univ. Regensburg, Univ. Regensburg and Broad Center for Mendelian Genomics, Broad Institute of MIT and Harvard); PubMed 25333069 (cited by Institute of Human Genetics, Univ. Regensburg, Univ. Regensburg); PubMed 27535533 (cited by Institute of Human Genetics, Univ. Regensburg, Univ. Regensburg and OMIM); PubMed 26355662 (cited by Institute of Human Genetics, Univ. Regensburg, Univ. Regensburg); PubMed 32579692 (cited by Institute of Human Genetics, Univ. Regensburg, Univ. Regensburg); PubMed 31816670 (cited by Institute of Human Genetics, Univ. Regensburg, Univ. Regensburg).